The following is an entry in ClinVar:

ClinVar aggregate classification (germline): Likely benign (1 of 4 stars; one submission).

Conditions:
Wilson disease (WND). Also called: Wilson's disease. Identifiers: Orphanet 905, MedGen C0019202, MONDO:0010200, OMIM 277900. Disease mechanism: loss of function.

Allele frequency attached by ClinVar (database versions not stated): ExAC 0.00001; gnomAD 0.00001; TOPMed 0.00001; ESP Exome Variant Server 0.00008.
gnomAD v4.1: 2 of 1,614,118 alleles (0.00012%); highest among the groups gnomAD compares: African/African-American, 0.0027%; no homozygotes.

Submission:

All of Us Research Program, National Institutes of Health
Classification: Likely benign for Wilson disease. Last evaluated: 2023-10-02. Review status: criteria provided, single submitter. Criteria: ACMG Guidelines, 2015. Collection method: clinical testing. Allele origin: germline. Inheritance: Autosomal recessive inheritance. Observed: 1 variant allele, 1 heterozygote.
Comment: This study involves interpretation of variants in research participants for the purpose of population health screening. Participant phenotype was not available at the time of variant classification. Additional details can be found in publication PMID: 35346344, PMCID: PMC8962531

NM_000053.4(ATP7B):c.1275A>G (p.Ser425=)

Gene: ATP7B (ATPase copper transporting beta; minus strand). Cytogenetic location: 13q14.3.
Variant type: single nucleotide variant.
Coding change: c.1275A>G on transcript NM_000053.4 (MANE Select); coding-DNA position 1275, A replaced by G.
Protein change: p.Ser425=; no amino-acid change (serine 425 retained).
Molecular consequence: synonymous variant.
Genome position (GRCh38, 1-based): chr13:51,973,945, T>C on the plus strand (A>G on the coding strand, the complement: ATP7B is on the minus strand). VCF-style: chr13-51973945-T-C. GRCh37 (hg19) VCF-style: chr13-52548081-T-C.
Other names: c.1275A>G, p.Ser425= (NM_001005918.3, NM_001330578.2, NM_001330579.2 and 29 more transcripts); c.942A>G, p.Ser314= (NM_001243182.2); c.1179A>G, p.Ser393= (NM_001406517.1, NM_001406518.1, NM_001406530.1 and 3 more transcripts); c.846A>G, p.Ser282= (NM_001406539.1).
Identifiers: ClinVar variation 3073643 (VCV003073643.1), dbSNP rs377399832, ClinGen allele CA6989403.